The following is an entry in ClinVar:

ClinVar aggregate classification (germline): Likely benign. Review status: criteria provided, multiple submitters, no conflicts (2 of 4 stars). 2 submissions from 2 submitters: Likely benign (2). Last evaluated 2022-07-01.

Allele frequency attached by ClinVar (database versions not stated): gnomAD 0.00007 and 0.00011; gnomAD exomes 0.00013 and 0.00014; ExAC 0.00014; TOPMed 0.00015; 1000 Genomes Project 30x 0.00031; 1000 Genomes Project 0.00040.
gnomAD v4.1: 203 of 1,613,768 alleles (0.013%); highest among the groups gnomAD compares: South Asian, 0.057%; 1 homozygote.

Submissions (2):

CeGaT Center for Human Genetics Tuebingen
Classification: Likely benign. Last evaluated: 2022-07-01. Review status: criteria provided, single submitter. Criteria: CeGaT Center For Human Genetics Tuebingen Variant Classification Criteria Version 2. Collection method: clinical testing. Allele origin: germline. Affected: yes. Observed: 1 variant allele.
Comment: UROC1: BP4, BP7

Labcorp Genetics (formerly Invitae), Labcorp
Classification: Likely benign. Last evaluated: 2019-12-31. Review status: criteria provided, single submitter. Criteria: Invitae Variant Classification Sherloc (09022015). Collection method: clinical testing. Allele origin: germline.

NM_144639.3(UROC1):c.1830C>T (p.Asp610=)

Gene: UROC1 (urocanate hydratase 1; minus strand). Cytogenetic location: 3q21.3.
Variant type: single nucleotide variant.
Coding change: c.1830C>T on transcript NM_144639.3 (MANE Select); coding-DNA position 1830, C replaced by T.
Protein change: p.Asp610=; no amino-acid change (aspartic acid 610 retained).
Molecular consequence: synonymous variant.
Genome position (GRCh38, 1-based): chr3:126,483,429, G>A on the plus strand (C>T on the coding strand, the complement: UROC1 is on the minus strand). VCF-style: chr3-126483429-G-A. GRCh37 (hg19) VCF-style: chr3-126202272-G-A.
Other names: c.2010C>T, p.Asp670= (NM_001165974.2).
Identifiers: ClinVar variation 740540 (VCV000740540.28), dbSNP rs545914298, ClinGen allele CA2590836.